The following is an entry in ClinVar:

NM_030957.4(ADAMTS10):c.2087G>A (p.Arg696Gln)

Gene: ADAMTS10 (ADAM metallopeptidase with thrombospondin type 1 motif 10; minus strand). Cytogenetic location: 19p13.2.
Variant type: single nucleotide variant.
Coding change: c.2087G>A on transcript NM_030957.4 (MANE Select); coding-DNA position 2087, G replaced by A.
Protein change: p.Arg696Gln; replaces arginine 696 with glutamine.
Molecular consequence: missense variant.
Genome position (GRCh38, 1-based): chr19:8,589,313, C>T on the plus strand (G>A on the coding strand, the complement: ADAMTS10 is on the minus strand). VCF-style: chr19-8589313-C-T. GRCh37 (hg19) VCF-style: chr19-8654197-C-T.
Other names: c.2087G>A (NM_030957.2); c.548G>A, p.Arg183Gln (NM_001282352.2); short protein forms R696Q, R183Q.
Identifiers: ClinVar variation 2080209 (VCV002080209.5), dbSNP rs782779682, ClinGen allele CA9160230.

ClinVar aggregate classification (germline): Uncertain significance. Review status: criteria provided, multiple submitters, no conflicts (2 of 4 stars). 2 submissions from 2 submitters: Uncertain significance (2). Last evaluated 2024-08-01.

Conditions:
Inborn genetic diseases. Identifiers: MedGen C0950123, MeSH D030342.

Allele frequency attached by ClinVar (database versions not stated): ExAC 0.00001; gnomAD 0.00001; gnomAD exomes 0.00001.
gnomAD v4.1: 11 of 1,612,572 alleles (0.00068%); highest among the groups gnomAD compares: African/African-American, 0.0027%; no homozygotes.

Submissions (2):

Ambry Genetics
Classification: Uncertain significance for Inborn genetic diseases. Last evaluated: 2024-08-01. Review status: criteria provided, single submitter. Criteria: Ambry Variant Classification Scheme 2023. Collection method: clinical testing. Allele origin: germline.

Labcorp Genetics (formerly Invitae), Labcorp
Classification: Uncertain significance. Last evaluated: 2022-03-23. Review status: criteria provided, single submitter. Criteria: Invitae Variant Classification Sherloc (09022015). Collection method: clinical testing. Allele origin: germline.
Comment: This variant has not been reported in the literature in individuals affected with ADAMTS10-related conditions. Algorithms developed to predict the effect of missense changes on protein structure and function (SIFT, PolyPhen-2, Align-GVGD) all suggest that this variant is likely to be disruptive. This sequence change replaces arginine, which is basic and polar, with glutamine, which is neutral and polar, at codon 696 of the ADAMTS10 protein (p.Arg696Gln). This variant is present in population databases (rs782779682, gnomAD 0.0009%). In summary, the available evidence is currently insufficient to determine the role of this variant in disease. Therefore, it has been classified as a Variant of Uncertain Significance.